The following is an entry in ClinVar:

NM_000059.4(BRCA2):c.6687A>C (p.Glu2229Asp)

Gene: BRCA2 (BRCA2 DNA repair associated; plus strand). Cytogenetic location: 13q13.1.
Variant type: single nucleotide variant.
Coding change: c.6687A>C on transcript NM_000059.4 (MANE Select); coding-DNA position 6687, A replaced by C.
Protein change: p.Glu2229Asp; replaces glutamic acid 2229 with aspartic acid.
Molecular consequence: missense variant. On other transcripts: non-coding transcript variant (1), intron variant (2).
Genome position (GRCh38, 1-based): chr13:32,341,042, A>C. VCF-style: chr13-32341042-A-C. GRCh37 (hg19) VCF-style: chr13-32915179-A-C.
Other names: c.6687A>C, p.Glu2229Asp (NM_001406719.1, NM_001406720.1, NM_001432077.1); c.1910-3516A>C (NM_001406721.1); c.425-3516A>C (NM_001406722.1); short protein forms E2229D.
Identifiers: ClinVar variation 4802329 (VCV004802329.2).
Genomic context (GRCh38, chr13:32,341,042, plus strand): 5'-AGAAGTTTGTTCTACTTACTCCAAAGATTCAGAAAACTACTTTGAAACAGAAGCAGTAGA[A>C]ATTGCTAAAGCTTTTATGGAAGATGATGAACTGACAGATTCTAAACTGCCAAGTCATGCC-3'
Protein context (NP_000050.3, residues 2219-2239): SENYFETEAV[Glu2229Asp]IAKAFMEDDE

ClinVar aggregate classification (germline): Conflicting classifications of pathogenicity. Review status: criteria provided, conflicting classifications (1 of 4 stars). 2 submissions from 2 submitters: Uncertain significance (1); Likely benign (1). Last evaluated 2026-05-01.

Conditions:
Breast-ovarian cancer, familial, susceptibility to, 2 (BROVCA2). Also called: BRCA2 Hereditary Breast and Ovarian Cancer. Identifiers: Orphanet 145, MedGen C2675520, MONDO:0012933, OMIM 612555. Disease mechanism: loss of function.
Hereditary breast ovarian cancer syndrome. Also called: Hereditary breast and ovarian cancer syndrome; Hereditary breast and ovarian cancer; Hereditary breast and ovarian cancer syndrome (HBOC); Breast and ovarian cancer; Hereditary breast and/or ovarian cancer syndrome; BRCA1- and BRCA2-Associated Hereditary Breast and Ovarian Cancer. Identifiers: Orphanet 145, MedGen C0677776, MeSH D061325, MONDO:0003582. Disease mechanism: loss of function.

gnomAD v4.1: 1 of 1,613,918 alleles (0.000062%); highest among the groups gnomAD compares: South Asian, 0.0011%; no homozygotes.

Submissions (2):

Cancer Bioinformatics and Tumour Evolution Laboratory, Monash University
Classification: Likely benign for Breast-ovarian cancer, familial, susceptibility to, 2. Last evaluated: 2026-05-01. Review status: criteria provided, single submitter. Criteria: ClinGen BRCA1 and BRCA2 Guidelines, 2024. Collection method: curation. Allele origin: germline. Inheritance: Autosomal dominant inheritance.
Comment: Missense variant outside of a functional domain with no splice impact. BRCA1 and BRCA2 VCEP guidelines recommend application of BP1_Strong (PMID: 39142283)

Labcorp Genetics (formerly Invitae), Labcorp
Classification: Uncertain significance for Hereditary breast ovarian cancer syndrome. Last evaluated: 2025-08-13. Review status: criteria provided, single submitter. Criteria: Invitae Variant Classification Sherloc (09022015). Collection method: clinical testing. Allele origin: germline.
Comment: This sequence change replaces glutamic acid, which is acidic and polar, with aspartic acid, which is acidic and polar, at codon 2229 of the BRCA2 protein (p.Glu2229Asp). This variant is not present in population databases (gnomAD no frequency). This variant has not been reported in the literature in individuals affected with BRCA2-related conditions. Invitae Evidence Modeling of protein sequence and biophysical properties (such as structural, functional, and spatial information, amino acid conservation, physicochemical variation, residue mobility, and thermodynamic stability) indicates that this missense variant is not expected to disrupt BRCA2 protein function with a negative predictive value of 95%. In summary, the available evidence is currently insufficient to determine the role of this variant in disease. Therefore, it has been classified as a Variant of Uncertain Significance.